The following is an entry in ClinVar:

NM_002471.4(MYH6):c.5477G>T (p.Gly1826Val)

Gene: MYH6 (myosin heavy chain 6; minus strand). Cytogenetic location: 14q11.2.
Variant type: single nucleotide variant.
Coding change: c.5477G>T on transcript NM_002471.4 (MANE Select); coding-DNA position 5477, G replaced by T.
Protein change: p.Gly1826Val; replaces glycine 1826 with valine.
Molecular consequence: missense variant.
Genome position (GRCh38, 1-based): chr14:23,384,530, C>A on the plus strand (G>T on the coding strand, the complement: MYH6 is on the minus strand). VCF-style: chr14-23384530-C-A. GRCh37 (hg19) VCF-style: chr14-23853739-C-A.
Other names: c.5477G>T (NM_002471.3); short protein forms G1826V.
Identifiers: ClinVar variation 1397998 (VCV001397998.9), dbSNP rs200260229, ClinGen allele CA7114424.

ClinVar aggregate classification (germline): Uncertain significance. Review status: criteria provided, multiple submitters, no conflicts (2 of 4 stars). 2 submissions from 2 submitters: Uncertain significance (2). Last evaluated 2024-02-13.

Conditions:
Hypertrophic cardiomyopathy 14. Identifiers: MedGen C2750467, MONDO:0013197, OMIM 613251.

Allele frequency attached by ClinVar (database versions not stated): 1000 Genomes Project 30x 0.00031.
gnomAD v4.1: 3 of 1,613,428 alleles (0.00019%); highest among the groups gnomAD compares: African/African-American, 0.004%; no homozygotes.

Submissions (2):

GeneDx
Classification: Uncertain significance. Last evaluated: 2024-02-13. Review status: criteria provided, single submitter. Criteria: GeneDx Variant Classification Process June 2021. Collection method: clinical testing. Allele origin: germline. Affected: yes.
Comment: Has not been previously published as pathogenic or benign to our knowledge; Not observed at significant frequency in large population cohorts (gnomAD); In silico analysis supports that this missense variant does not alter protein structure/function

Labcorp Genetics (formerly Invitae), Labcorp
Classification: Uncertain significance for Hypertrophic cardiomyopathy 14. Last evaluated: 2022-08-19. Review status: criteria provided, single submitter. Criteria: Invitae Variant Classification Sherloc (09022015). Collection method: clinical testing. Allele origin: germline.
Comment: This variant has not been reported in the literature in individuals affected with MYH6-related conditions. This variant is present in population databases (rs200260229, gnomAD 0.008%). This sequence change replaces glycine, which is neutral and non-polar, with valine, which is neutral and non-polar, at codon 1826 of the MYH6 protein (p.Gly1826Val). In summary, the available evidence is currently insufficient to determine the role of this variant in disease. Therefore, it has been classified as a Variant of Uncertain Significance. Algorithms developed to predict the effect of missense changes on protein structure and function (SIFT, PolyPhen-2, Align-GVGD) all suggest that this variant is likely to be tolerated. ClinVar contains an entry for this variant (Variation ID: 1397998).